The following is an entry in ClinVar:

NM_005215.4(DCC):c.1501C>T (p.Arg501Ter)

Gene: DCC (DCC netrin 1 receptor; plus strand). Cytogenetic location: 18q21.2.
Variant type: single nucleotide variant.
Coding change: c.1501C>T on transcript NM_005215.4 (MANE Select); coding-DNA position 1501, C replaced by T.
Protein change: p.Arg501Ter; replaces arginine 501 with a stop codon.
Molecular consequence: nonsense.
Genome position (GRCh38, 1-based): chr18:53,179,044, C>T. VCF-style: chr18-53179044-C-T. GRCh37 (hg19) VCF-style: chr18-50705414-C-T.
Other names: short protein forms R501*.
Identifiers: ClinVar variation 2632263 (VCV002632263.1), dbSNP rs1406742141, ClinGen allele CA402515376.

ClinVar aggregate classification (germline): Likely pathogenic (1 of 4 stars; one submission).

Conditions:
DCC-related disorder. Also called: DCC-related condition.

Allele frequency attached by ClinVar (database versions not stated): gnomAD exomes below 0.00001.
gnomAD v4.1: 1 of 1,613,986 alleles (0.000062%); highest among the groups gnomAD compares: Non-Finnish European, 0.000085%; no homozygotes.

Submission:

PreventionGenetics, part of Exact Sciences
Classification: Likely pathogenic for DCC-related condition. Last evaluated: 2023-06-16. Review status: criteria provided, single submitter. Criteria: ACMG Guidelines, 2015. Collection method: clinical testing. Allele origin: germline.
Comment: The DCC c.1501C>T variant is predicted to result in premature protein termination (p.Arg501*). To our knowledge, this variant has not been reported in the literature. This variant is reported in 0.00088% of alleles in individuals of European (Non-Finnish) descent in gnomAD. Nonsense variants in DCC are expected to be pathogenic. This variant is interpreted as likely pathogenic.